The following is an entry in ClinVar:

ClinVar aggregate classification (germline): Uncertain significance. Review status: criteria provided, multiple submitters, no conflicts (2 of 4 stars). 2 submissions from 2 submitters: Uncertain significance (2). Last evaluated 2025-11-01.

Conditions:
SLC39A8-CDG. Also called: SLC39A8 deficiency; CONGENITAL DISORDER OF GLYCOSYLATION, TYPE IIn; CDG IIn. Identifiers: Orphanet 468699, MedGen C4225234, MONDO:0014746, OMIM 616721.

Allele frequency attached by ClinVar (database versions not stated): gnomAD exomes below 0.00001.

Submissions (2):

Medical Molecular Genetics, National Research Centre
Classification: Uncertain significance for SLC39A8-CDG. Last evaluated: 2025-11-01. Review status: criteria provided, single submitter. Criteria: ACMG Guidelines, 2015. Collection method: research. Allele origin: inherited. Affected: yes.

Broad Center for Mendelian Genomics, Broad Institute of MIT and Harvard
Classification: Uncertain significance for SLC39A8-CDG. Last evaluated: 2018-06-15. Review status: criteria provided, single submitter. Criteria: ACMG Guidelines, 2015. Collection method: research. Allele origin: germline. Inheritance: Autosomal recessive inheritance. Affected: yes.
Comment: This variant was absent from large population studies. The Cysteine (Cys) at position 113 is highly conserved in mammals and evolutionarily distant species, raising the possibility that a change at this position may not be tolerated. Computational prediction tools suggest that this variant may impact the protein, though this information is not predictive enough to determine pathogenicity. In summary, the clinical significance of this variant is uncertain.

NM_001135146.2(SLC39A8):c.337T>C (p.Cys113Arg)

Gene: SLC39A8 (solute carrier family 39 member 8; minus strand). Cytogenetic location: 4q24.
Variant type: single nucleotide variant.
Coding change: c.337T>C on transcript NM_001135146.2 (MANE Select); coding-DNA position 337, T replaced by C.
Protein change: p.Cys113Arg; replaces cysteine 113 with arginine.
Molecular consequence: missense variant.
Genome position (GRCh38, 1-based): chr4:102,315,713, A>G on the plus strand (T>C on the coding strand, the complement: SLC39A8 is on the minus strand). VCF-style: chr4-102315713-A-G. GRCh37 (hg19) VCF-style: chr4-103236870-A-G.
Other names: c.337T>C, p.Cys113Arg (NM_001135147.1, NM_022154.5); c.136T>C, p.Cys46Arg (NM_001135148.2); short protein forms C113R, C46R.
Identifiers: ClinVar variation 635074 (VCV000635074.2), dbSNP rs950101299, ClinGen allele CA102687993.
Genomic context (GRCh38, chr4:102,315,713, plus strand): 5'-ATGCTTCTAATATACCTTCTGAATGACTTGGTCTTGTTTTGTGCTTGGGCCGATCCTCAC[A>G]TGGGTGAAAGTTCAATTGCTGTAAGACTGCTGGACAGATGACAGAGAATTTGGAGCTGGT-3'
Protein context (NP_001128618.1, residues 103-123): AVLQQLNFHP[Cys113Arg]EDRPKHKTRP